The following is an entry in ClinVar:

ClinVar aggregate classification (germline): Likely benign. Review status: criteria provided, multiple submitters, no conflicts (2 of 4 stars). 3 submissions from 3 submitters: Likely benign (2). 1 of the submissions does not count toward it. Last evaluated 2025-06-01.

Conditions:
PCNT-related disorder. Also called: PCNT-related condition.

gnomAD v4.1: 4 of 1,613,850 alleles (0.00025%); highest among the groups gnomAD compares: Admixed American, 0.0033%; no homozygotes.

Submissions (3):

Labcorp Genetics (formerly Invitae), Labcorp
Classification: Likely benign. Last evaluated: 2025-06-01. Review status: criteria provided, single submitter. Criteria: Invitae Variant Classification Sherloc (09022015). Collection method: clinical testing. Allele origin: germline.

Blueprint Genetics
Classification: Likely benign. Last evaluated: 2019-11-08. Review status: criteria provided, single submitter. Criteria: ACMG Guidelines, 2015. Collection method: clinical testing. Allele origin: germline.

PreventionGenetics, part of Exact Sciences
Classification: Likely benign for PCNT-related condition. Last evaluated: 2021-11-18. Review status: no assertion criteria provided. Collection method: clinical testing. Allele origin: germline. Not counted in ClinVar's aggregate classification.
Comment: This variant is classified as likely benign based on ACMG/AMP sequence variant interpretation guidelines (Richards et al. 2015 PMID: 25741868, with internal and published modifications).

NM_006031.6(PCNT):c.55-4G>A

Genes: PCNT (pericentrin; plus strand), LOC128092249 (uncharacterized LOC128092249; plus strand). Cytogenetic location: 21q22.3.
Variant type: single nucleotide variant.
Coding change: c.55-4G>A on transcript NM_006031.6 (MANE Select); 4 bases into the intron before coding-DNA position 55, G replaced by A.
Molecular consequence: intron variant. On other transcripts: missense variant (1).
Genome position (GRCh38, 1-based): chr21:46,326,373, G>A. VCF-style: chr21-46326373-G-A. GRCh37 (hg19) VCF-style: chr21-47746287-G-A.
Other names: c.86G>A, p.Arg29His (NM_001414902.1); c.-300-4G>A (NM_001315529.2); c.55-4G>A (NM_006031.5); short protein forms R29H.
Identifiers: ClinVar variation 2962500 (VCV002962500.5), dbSNP rs769115662, ClinGen allele CA638499210.